The following is an entry in ClinVar:

NM_001349.4(DARS1):c.79G>A (p.Glu27Lys)

Gene: DARS1 (aspartyl-tRNA synthetase 1; minus strand). Cytogenetic location: 2q21.3.
Variant type: single nucleotide variant.
Coding change: c.79G>A on transcript NM_001349.4 (MANE Select); coding-DNA position 79, G replaced by A.
Protein change: p.Glu27Lys; replaces glutamic acid 27 with lysine.
Molecular consequence: missense variant. On other transcripts: intron variant (1).
Genome position (GRCh38, 1-based): chr2:135,983,442, C>T on the plus strand (G>A on the coding strand, the complement: DARS1 is on the minus strand). VCF-style: chr2-135983442-C-T. GRCh37 (hg19) VCF-style: chr2-136741012-C-T.
Other names: c.-177+1961G>A (NM_001293312.1); short protein forms E27K.
Identifiers: ClinVar variation 4728812 (VCV004728812.1).

ClinVar aggregate classification (germline): Uncertain significance (1 of 4 stars; one submission).

Submission:

Labcorp Genetics (formerly Invitae), Labcorp
Classification: Uncertain significance. Last evaluated: 2025-10-09. Review status: criteria provided, single submitter. Criteria: Invitae Variant Classification Sherloc (09022015). Collection method: clinical testing. Allele origin: germline.
Comment: This sequence change replaces glutamic acid, which is acidic and polar, with lysine, which is basic and polar, at codon 27 of the DARS protein (p.Glu27Lys). This variant is not present in population databases (gnomAD no frequency). This variant has not been reported in the literature in individuals affected with DARS-related conditions. An algorithm developed to predict the effect of missense changes on protein structure and function (PolyPhen-2) suggests that this variant is likely to be tolerated. In summary, the available evidence is currently insufficient to determine the role of this variant in disease. Therefore, it has been classified as a Variant of Uncertain Significance.